The following is an entry in ClinVar:

ClinVar aggregate classification (germline): Uncertain significance (1 of 4 stars; one submission).

Submission:

Mayo Clinic Laboratories, Mayo Clinic
Classification: Uncertain significance. Last evaluated: 2025-06-13. Review status: criteria provided, single submitter. Criteria: ACMG Guidelines, 2015. Collection method: clinical testing. Allele origin: germline. Observed: 1 variant allele.
Comment: BP4_moderate, PM2_supporting

NM_003664.5(AP3B1):c.132T>A (p.Asn44Lys)

Gene: AP3B1 (adaptor related protein complex 3 subunit beta 1; minus strand). Cytogenetic location: 5q14.1.
Variant type: single nucleotide variant.
Coding change: c.132T>A on transcript NM_003664.5 (MANE Select); coding-DNA position 132, T replaced by A.
Protein change: p.Asn44Lys; replaces asparagine 44 with lysine.
Molecular consequence: missense variant. On other transcripts: 5 prime UTR variant (1).
Genome position (GRCh38, 1-based): chr5:78,267,592, A>T on the plus strand (T>A on the coding strand, the complement: AP3B1 is on the minus strand). VCF-style: chr5-78267592-A-T. GRCh37 (hg19) VCF-style: chr5-77563416-A-T.
Other names: p.Asn44Lys; c.-16T>A (NM_001271769.2); c.132T>A, p.Asn44Lys (NM_001410752.1); short protein forms N44K.
Identifiers: ClinVar variation 4541052 (VCV004541052.1).